The following is an entry in ClinVar:

NM_024665.7(TBL1XR1):c.956ACA[1] (p.Asn320del)

Genes: TBL1XR1 (TBL1X/Y related 1; minus strand), TBL1XR1-AS1 (TBL1XR1 antisense RNA 1; plus strand), LOC126806878 (CDK7 strongly-dependent group 2 enhancer GRCh37_chr3:176755168-176756367; plus strand). Cytogenetic location: 3q26.32.
Variant type: Microsatellite.
Coding change: c.956ACA[1] on transcript NM_024665.7 (MANE Select); one copy of the 3-base unit ACA starting at c.956; the reference has two copies in a row; one copy, 3 bases deleted.
Protein change: p.Asn320del; deletes asparagine 320.
Molecular consequence: inframe deletion. On other transcripts: non-coding transcript variant (1).
Genome position (GRCh38, 1-based): chr3:177,038,399-177,038,401, TGT deleted on the plus strand (ACA on the coding strand, the reverse complement: TBL1XR1 is on the minus strand); deleting any 3 consecutive bases within chr3:177,038,399-177,038,406 gives the same sequence; the position shown is the placement nearest the transcript's 3' end. VCF-style (leftmost placement, unchanged base first): chr3-177038398-GTGT-G. GRCh37 (hg19) VCF-style: chr3-176756186-GTGT-G.
Other names: c.956ACA[1], p.Asn320del (NM_001321193.3, NM_001321194.3, NM_001374327.1 and 2 more transcripts); c.695ACA[1], p.Asn233del (NM_001321195.3, NM_001374330.1); short protein forms N233del, N320del.
Identifiers: ClinVar variation 2441990 (VCV002441990.2), dbSNP rs2473634822, ClinGen allele CA645526867.

ClinVar aggregate classification (germline): Uncertain significance. Review status: criteria provided, multiple submitters, no conflicts (2 of 4 stars). 2 submissions from 2 submitters: Uncertain significance (2). Last evaluated 2025-02-05.

Conditions:
Pierpont syndrome (PRPTS). Identifiers: Orphanet 487825, MedGen C1865644, MONDO:0011213, OMIM 602342.

Submissions (2):

Labcorp Genetics (formerly Invitae), Labcorp
Classification: Uncertain significance for Pierpont syndrome. Last evaluated: 2025-02-05. Review status: criteria provided, single submitter. Criteria: Invitae Variant Classification Sherloc (09022015). Collection method: clinical testing. Allele origin: germline.
Comment: This variant, c.959_961del, results in the deletion of 1 amino acid(s) of the TBL1XR1 protein (p.Asn320del), but otherwise preserves the integrity of the reading frame. This variant is not present in population databases (gnomAD no frequency). This variant has not been reported in the literature in individuals affected with TBL1XR1-related conditions. Experimental studies and prediction algorithms are not available or were not evaluated, and the functional significance of this variant is currently unknown. In summary, the available evidence is currently insufficient to determine the role of this variant in disease. Therefore, it has been classified as a Variant of Uncertain Significance.

Baylor Genetics
Classification: Uncertain significance for Pierpont syndrome. Last evaluated: 2021-05-09. Review status: criteria provided, single submitter. Criteria: ACMG Guidelines, 2015. Collection method: clinical testing. Allele origin: unknown.